The following is an entry in ClinVar:

ClinVar aggregate classification (germline): Uncertain significance. Review status: criteria provided, multiple submitters, no conflicts (2 of 4 stars). 2 submissions from 2 submitters: Uncertain significance (2). Last evaluated 2021-11-10.

Conditions:
Early-infantile DEE. Also called: Early infantile epileptic encephalopathy with suppression bursts; Early infantile epileptic encephalopathy; Ohtahara syndrome. Identifiers: Orphanet 1934, MedGen C0393706, MONDO:0800491.

Submissions (2):

Revvity Omics, Revvity
Classification: Uncertain significance. Last evaluated: 2021-11-10. Review status: criteria provided, single submitter. Criteria: ACMG Guidelines, 2015. Collection method: clinical testing. Allele origin: germline.

Labcorp Genetics (formerly Invitae), Labcorp
Classification: Uncertain significance for Early-infantile DEE. Last evaluated: 2021-06-04. Review status: criteria provided, single submitter. Criteria: Invitae Variant Classification Sherloc (09022015). Collection method: clinical testing. Allele origin: germline.
Comment: This variant has not been reported in the literature in individuals with SCN1A-related conditions. In summary, the available evidence is currently insufficient to determine the role of this variant in disease. Therefore, it has been classified as a Variant of Uncertain Significance. Advanced modeling of protein sequence and biophysical properties (such as structural, functional, and spatial information, amino acid conservation, physicochemical variation, residue mobility, and thermodynamic stability) performed at Invitae indicates that this missense variant is expected to disrupt SCN1A protein function. This variant is not present in population databases (ExAC no frequency). This sequence change replaces glycine with valine at codon 1305 of the SCN1A protein (p.Gly1305Val). The glycine residue is highly conserved and there is a moderate physicochemical difference between glycine and valine.

NM_001165963.4(SCN1A):c.3914G>T (p.Gly1305Val)

Genes: SCN1A (sodium voltage-gated channel alpha subunit 1; minus strand), LOC102724058 (uncharacterized LOC102724058; plus strand). Cytogenetic location: 2q24.3.
Variant type: single nucleotide variant.
Coding change: c.3914G>T on transcript NM_001165963.4 (MANE Select); coding-DNA position 3914, G replaced by T.
Protein change: p.Gly1305Val; replaces glycine 1305 with valine.
Molecular consequence: missense variant. On other transcripts: non-coding transcript variant (1).
Genome position (GRCh38, 1-based): chr2:166,009,807, C>A on the plus strand (G>T on the coding strand, the complement: SCN1A is on the minus strand). VCF-style: chr2-166009807-C-A. GRCh37 (hg19) VCF-style: chr2-166866317-C-A.
Other names: c.3914G>T (NM_001165963.3); c.3830G>T, p.Gly1277Val (NM_001165964.3, NM_001353957.2, NM_001353958.2); c.3914G>T, p.Gly1305Val (NM_001202435.3, NM_001353948.2); c.3881G>T, p.Gly1294Val (NM_001353949.2, NM_001353950.2, NM_001353951.2 and 2 more transcripts); c.3878G>T, p.Gly1293Val (NM_001353954.2, NM_001353955.2); c.3827G>T, p.Gly1276Val (NM_001353960.2); c.1472G>T, p.Gly491Val (NM_001353961.2); short protein forms G1293V, G1294V, G1305V, G1276V, G1277V, G491V.
Identifiers: ClinVar variation 1461406 (VCV001461406.11), dbSNP rs2105570936, ClinGen allele CA349053332.